The following is an entry in ClinVar:

NM_001377.3(DYNC2H1):c.11726G>A (p.Gly3909Asp)

Gene: DYNC2H1 (dynein cytoplasmic 2 heavy chain 1; plus strand). Cytogenetic location: 11q22.3.
Variant type: single nucleotide variant.
Coding change: c.11726G>A on transcript NM_001377.3 (MANE Select); coding-DNA position 11726, G replaced by A.
Protein change: p.Gly3909Asp; replaces glycine 3909 with aspartic acid.
Molecular consequence: missense variant.
Genome position (GRCh38, 1-based): chr11:103,321,029, G>A. VCF-style: chr11-103321029-G-A. GRCh37 (hg19) VCF-style: chr11-103191758-G-A.
Other names: c.11747G>A, p.Gly3916Asp (NM_001080463.2); short protein forms G3916D, G3909D.
Identifiers: ClinVar variation 30350 (VCV000030350.25), dbSNP rs201479015, ClinGen allele CA210563.

ClinVar aggregate classification (germline): Uncertain significance. Review status: criteria provided, multiple submitters, no conflicts (2 of 4 stars). 9 submissions from 9 submitters: Uncertain significance (8). 1 of the submissions does not count toward it. Last evaluated 2024-12-11.

Conditions:
Jeune thoracic dystrophy. Also called: Jeune syndrome; Infantile thoracic dystrophy; Thoracic pelvic phalangeal dystrophy; Jeune's syndrome; Chondroectodermal dysplasia-like syndrome; Short-rib thoracic dysplasia. Identifiers: Orphanet 474, MedGen C0265275, MONDO:0018770.
Retinal dystrophy. Also called: Inherited retinal dystrophy. Identifiers: Orphanet 71862, MedGen C0854723, MeSH D058499, MONDO:0019118, HP:0000556.
Asphyxiating thoracic dystrophy 3. Also called: SHORT-RIB THORACIC DYSPLASIA 3 WITH OR WITHOUT POLYDACTYLY; POLYDACTYLY WITH NEONATAL CHONDRODYSTROPHY, TYPE I; SHORT-RIB THORACIC DYSPLASIA 3/6 WITH POLYDACTYLY, DIGENIC; Short rib polydactyly syndrome 2B; Saldino-Noonan Syndrome. Identifiers: Orphanet 474, Orphanet 93269, Orphanet 93270, Orphanet 93271, MedGen C0036069, MONDO:0013127, OMIM 613091.

Allele frequency attached by ClinVar (database versions not stated): gnomAD exomes 0.00015 and 0.00021; ESP Exome Variant Server 0.00017; TOPMed 0.00017; gnomAD 0.00013 and 0.00014; ExAC 0.00025; 1000 Genomes Project 0.00040; 1000 Genomes Project 30x 0.00047.
gnomAD v4.1: 241 of 1,599,716 alleles (0.015%); highest among the groups gnomAD compares: Admixed American, 0.045%; no homozygotes.

Submissions (9):

GeneDx
Classification: Uncertain significance. Last evaluated: 2024-12-11. Review status: criteria provided, single submitter. Criteria: GeneDx Variant Classification Process June 2021. Collection method: clinical testing. Allele origin: germline. Affected: yes.
Comment: Observed with a NEK1 gene variant in a patient with SRP in published literature (PMID: 21211617); In silico analysis indicates that this missense variant does not alter protein structure/function; This variant is associated with the following publications: (PMID: 22795106, 21211617, 34582081, 29458881, 22482978, 34426522)

Blueprint Genetics
Classification: Uncertain significance. Last evaluated: 2024-11-06. Review status: criteria provided, single submitter. Criteria: ACMG Guidelines, 2015. Collection method: clinical testing. Allele origin: germline.

Women's Health and Genetics/Laboratory Corporation of America, LabCorp
Classification: Uncertain significance. Last evaluated: 2024-08-07. Review status: criteria provided, single submitter. Criteria: LabCorp Variant Classification Summary - May 2015. Collection method: clinical testing. Allele origin: germline.
Comment: Variant summary: DYNC2H1 c.11747G>A (p.Gly3916Asp) results in a non-conservative amino acid change in the encoded protein sequence. Three of five in-silico tools predict a benign effect of the variant on protein function. Several computational tools predict a significant impact on normal splicing: Three predict the variant weakens a 3' acceptor site. However, these predictions have yet to be confirmed by functional studies. The variant allele was found at a frequency of 0.00021 in 237428 control chromosomes. This frequency is not significantly higher than estimated for a pathogenic variant in DYNC2H1 causing Short-rib thoracic dysplasia (0.00021 vs 0.0025), allowing no conclusion about variant significance. c.11747G>A has been reported in the literature in at least one heterozygous individuals affected with Short-rib thoracic dysplasia carrying a heterozygous NEK1 variant in trans (e.g. Thiel_2011). This report does not provide unequivocal conclusions about association of the variant with Short-rib thoracic dysplasia. One publication reports experimental evidence evaluating an impact on protein function showing cellular disorganization of cartilage and growth plates by IHC in an affected patient sample, however, does not allow convincing conclusions about the variant effect (e.g. Thiel_2011). The following publication has been ascertained in the context of this evaluation (PMID: 21211617). ClinVar contains an entry for this variant (Variation ID: 30350). Based on the evidence outlined above, the variant was classified as uncertain significance.

Institute of Human Genetics, Univ. Regensburg, Univ. Regensburg
Classification: Uncertain significance for Retinal dystrophy. Last evaluated: 2023-01-01. Review status: criteria provided, single submitter. Criteria: ACMG Guidelines, 2015. Collection method: clinical testing. Allele origin: germline. Affected: yes.

Labcorp Genetics (formerly Invitae), Labcorp
Classification: Uncertain significance for Jeune thoracic dystrophy. Last evaluated: 2022-08-09. Review status: criteria provided, single submitter. Criteria: Invitae Variant Classification Sherloc (09022015). Collection method: clinical testing. Allele origin: germline.
Comment: This sequence change replaces glycine, which is neutral and non-polar, with aspartic acid, which is acidic and polar, at codon 3916 of the DYNC2H1 protein (p.Gly3916Asp). This variant is present in population databases (rs201479015, gnomAD 0.06%). This missense change has been observed in individual(s) with short-rib polydactyly syndrome (PMID: 21211617). ClinVar contains an entry for this variant (Variation ID: 30350). Algorithms developed to predict the effect of missense changes on protein structure and function are either unavailable or do not agree on the potential impact of this missense change (SIFT: "Deleterious"; PolyPhen-2: "Benign"; Align-GVGD: "Class C0"). In summary, the available evidence is currently insufficient to determine the role of this variant in disease. Therefore, it has been classified as a Variant of Uncertain Significance.

Department of Pathology and Laboratory Medicine, Sinai Health System
Classification: Uncertain significance for asphyxiating thoracic dystrophy 3. Last evaluated: 2022-02-08. Review status: criteria provided, single submitter. Criteria: ACMG Guidelines, 2015. Collection method: research. Allele origin: germline.

ARUP Laboratories, Molecular Genetics and Genomics, ARUP Laboratories
Classification: Uncertain significance for Asphyxiating thoracic dystrophy 3. Last evaluated: 2021-02-12. Review status: criteria provided, single submitter. Criteria: ARUP Molecular Germline Variant Investigation Process 2021. Collection method: clinical testing. Allele origin: germline.
Comment: The DYNC2H1 c.11747G>A; p.Gly3916Asp variant (rs201479015) is reported in the literature in an individual who was affected with short-rib polydactyly syndrome; however a second variant was not identified (Thiel 2011). This variant is also reported in ClinVar (Variation ID: 30350) and the general population with an allele frequency of 0.019% (52/268,762 alleles) in the Genome Aggregation Database. The glycine at codon 3916 is highly conserved, but computational analyses are uncertain whether this variant is neutral or deleterious (REVEL: 0.17). Due to limited information, the clinical significance of the p.Gly3916Asp variant is uncertain at this time.

Eurofins Ntd Llc (ga)
Classification: Uncertain significance. Last evaluated: 2015-06-02. Review status: criteria provided, single submitter. Criteria: EGL Classification Definitions 2015. Collection method: clinical testing. Allele origin: germline. Observed: 1 variant allele, 1 heterozygote.

OMIM
Classification: Pathogenic for SHORT-RIB THORACIC DYSPLASIA 3/6 WITH POLYDACTYLY, DIGENIC. Last evaluated: 2011-01-07. Review status: no assertion criteria provided. Collection method: literature only. Allele origin: germline. Not counted in ClinVar's aggregate classification.

Literature cited by the submitters: PubMed 21211617 (cited by 4 submitters); PubMed 3442652 (cited by Institute of Human Genetics, Univ. Regensburg, Univ. Regensburg).